The following is an entry in ClinVar:

NM_058004.4(PI4KA):c.1791C>T (p.Asn597=)

Gene: PI4KA (phosphatidylinositol 4-kinase alpha; minus strand). Cytogenetic location: 22q11.21.
Variant type: single nucleotide variant.
Coding change: c.1791C>T on transcript NM_058004.4 (MANE Select); coding-DNA position 1791, C replaced by T.
Protein change: p.Asn597=; no amino-acid change (asparagine 597 retained).
Molecular consequence: synonymous variant.
Genome position (GRCh38, 1-based): chr22:20,799,700, G>A on the plus strand (C>T on the coding strand, the complement: PI4KA is on the minus strand). VCF-style: chr22-20799700-G-A. GRCh37 (hg19) VCF-style: chr22-21153988-G-A.
Other names: c.1791C>T, p.Asn597= (NM_001362862.2); c.1725C>T, p.Asn575= (NM_001362863.2).
Identifiers: ClinVar variation 3067188 (VCV003067188.22), dbSNP rs140392610, ClinGen allele CA10116343.

ClinVar aggregate classification (germline): Benign/Likely benign. Review status: criteria provided, multiple submitters, no conflicts (2 of 4 stars). 2 submissions from 2 submitters: Benign (1); Likely benign (1). Last evaluated 2025-04-01.

Allele frequency attached by ClinVar (database versions not stated): ExAC 0.00028; TOPMed 0.00032; gnomAD exomes 0.00057; gnomAD 0.00060; ESP Exome Variant Server 0.00063.
gnomAD v4.1: 879 of 1,552,832 alleles (0.057%); highest among the groups gnomAD compares: Non-Finnish European, 0.065%; 1 homozygote.

Submissions (2):

CeGaT Center for Human Genetics Tuebingen
Classification: Likely benign. Last evaluated: 2025-04-01. Review status: criteria provided, single submitter. Criteria: CeGaT Center For Human Genetics Tuebingen Variant Classification Criteria Version 2. Collection method: clinical testing. Allele origin: germline. Affected: yes. Observed: 2 variant alleles.
Comment: PI4KA: BP4, BP7

Laboratory of Genetics, Children's Clinical University Hospital Latvia
Classification: Benign. Last evaluated: 2025-02-16. Review status: criteria provided, single submitter. Criteria: ACMG Guidelines, 2015. Collection method: clinical testing. Allele origin: germline. Affected: yes.